The following is an entry in ClinVar:

NM_020117.11(LARS1):c.772-209A>G

Gene: LARS1 (leucyl-tRNA synthetase 1; minus strand). Cytogenetic location: 5q32.
Variant type: single nucleotide variant.
Coding change: c.772-209A>G on transcript NM_020117.11 (MANE Select); 209 bases into the intron before coding-DNA position 772, A replaced by G.
Molecular consequence: intron variant.
Genome position (GRCh38, 1-based): chr5:146,158,004, T>C on the plus strand (A>G on the coding strand, the complement: LARS1 is on the minus strand). VCF-style: chr5-146158004-T-C. GRCh37 (hg19) VCF-style: chr5-145537567-T-C.
Other names: c.610-209A>G (NM_001317965.2); c.691-209A>G (NM_016460.4); c.634-209A>G (NM_001317964.2).
Identifiers: ClinVar variation 670002 (VCV000670002.1), dbSNP rs17428570, ClinGen allele CA12173882.

ClinVar aggregate classification (germline): Benign (1 of 4 stars; one submission).

Allele frequency attached by ClinVar (database versions not stated): 1000 Genomes Project 30x 0.18082; 1000 Genomes Project 0.18191; TOPMed 0.22137; gnomAD 0.22142 and 0.22233.
gnomAD v4.1: 33,876 of 152,096 alleles (22%); highest among the groups gnomAD compares: Admixed American, 34%; 4,832 homozygotes.

Submission:

GeneDx
Classification: Benign. Last evaluated: 2018-06-14. Review status: criteria provided, single submitter. Criteria: GeneDx Variant Classification (06012015). Collection method: clinical testing. Allele origin: germline. Affected: yes.
Comment: This variant is considered likely benign or benign based on one or more of the following criteria: it is a conservative change, it occurs at a poorly conserved position in the protein, it is predicted to be benign by multiple in silico algorithms, and/or has population frequency not consistent with disease.